The following is an entry in ClinVar:

ClinVar aggregate classification (germline): Uncertain significance (1 of 4 stars; one submission).

Conditions:
MNX1-related disorder. Also called: MNX1-related condition.

Allele frequency attached by ClinVar (database versions not stated): TOPMed 0.00001; ESP Exome Variant Server 0.00008.

Submission:

PreventionGenetics, part of Exact Sciences
Classification: Uncertain significance for MNX1-related condition. Last evaluated: 2023-07-27. Review status: criteria provided, single submitter. Criteria: ACMG Guidelines, 2015. Collection method: clinical testing. Allele origin: germline.
Comment: The MNX1 c.832C>G variant is predicted to result in the amino acid substitution p.Leu278Val. To our knowledge, this variant has not been reported in the literature or in a large population database, indicating this variant is rare. At this time, the clinical significance of this variant is uncertain due to the absence of conclusive functional and genetic evidence.

NM_005515.4(MNX1):c.832C>G (p.Leu278Val)

Genes: MNX1 (motor neuron and pancreas homeobox 1; minus strand), MNX1-AS2 (MNX1 antisense RNA 2; plus strand). Cytogenetic location: 7q36.3.
Variant type: single nucleotide variant.
Coding change: c.832C>G on transcript NM_005515.4 (MANE Select); coding-DNA position 832, C replaced by G.
Protein change: p.Leu278Val; replaces leucine 278 with valine.
Molecular consequence: missense variant.
Genome position (GRCh38, 1-based): chr7:157,006,499, G>C on the plus strand (C>G on the coding strand, the complement: MNX1 is on the minus strand). VCF-style: chr7-157006499-G-C. GRCh37 (hg19) VCF-style: chr7-156799193-G-C.
Other names: c.196C>G, p.Leu66Val (NM_001165255.2); short protein forms L278V, L66V.
Identifiers: ClinVar variation 2631383 (VCV002631383.1), dbSNP rs370066878, ClinGen allele CA169867162.
Genomic context (GRCh38, chr7:157,006,499, plus strand): 5'-TGGGAGGCCGGGATGCGTCGGGGGCGGGGAGGGCGCGCACCTGGGTCTCGGTGAGCATGA[G>C]CGAGGTGGCCACCTCGAAGCGCTTGGGCCGCGACAGGTACTTGTTGAGCTTGAACTGGTG-3'
Protein context (NP_005506.3, residues 268-288): RPKRFEVATS[Leu278Val]MLTETQVKIW